The following is an entry in ClinVar:

NM_153816.6(SNX14):c.252C>G (p.Tyr84Ter)

Gene: SNX14 (sorting nexin 14; minus strand). Cytogenetic location: 6q14.3.
Variant type: single nucleotide variant.
Coding change: c.252C>G on transcript NM_153816.6 (MANE Select); coding-DNA position 252, C replaced by G.
Protein change: p.Tyr84Ter; replaces tyrosine 84 with a stop codon.
Molecular consequence: nonsense. On other transcripts: 5 prime UTR variant (9), non-coding transcript variant (6).
Genome position (GRCh38, 1-based): chr6:85,574,267, G>C on the plus strand (C>G on the coding strand, the complement: SNX14 is on the minus strand). VCF-style: chr6-85574267-G-C. GRCh37 (hg19) VCF-style: chr6-86283985-G-C.
Other names: c.252C>G, p.Tyr84Ter (NM_001297614.3, NM_001350533.2, NM_001350534.2 and 7 more transcripts); c.96C>G, p.Tyr32Ter (NM_001304479.2, NM_001350539.2, NM_001350542.2 and 2 more transcripts); c.315C>G, p.Tyr105Ter (NM_001350532.2); c.-149C>G (NM_001350545.2, NM_001350546.2); c.252C>G (NM_153816.5); c.-714C>G (NM_001350547.2); c.-768C>G (NM_001350548.2); c.-900C>G (NM_001350549.2, NM_001350550.2, NM_001350553.2); and 2 more; short protein forms Y105*, Y32*, Y84*.
Identifiers: ClinVar variation 1325109 (VCV001325109.8), dbSNP rs1171657935, ClinGen allele CA364903400.

ClinVar aggregate classification (germline): Pathogenic/Likely pathogenic. Review status: criteria provided, multiple submitters, no conflicts (2 of 4 stars). 4 submissions from 4 submitters: Pathogenic (2); Likely pathogenic (2). Last evaluated 2025-09-08.

Conditions:
SNX14-related disorder. Also called: SNX14-related condition.
Autosomal recessive spinocerebellar ataxia 20. Identifiers: Orphanet 397709, MedGen C5190595, MONDO:0014601, OMIM 616354.

Allele frequency attached by ClinVar (database versions not stated): gnomAD 0.00001; gnomAD exomes below 0.00001 and 0.00003; TOPMed 0.00001.
gnomAD v4.1: 39 of 1,582,048 alleles (0.0025%); highest among the groups gnomAD compares: Non-Finnish European, 0.0032%; no homozygotes.

Submissions (4):

PreventionGenetics, part of Exact Sciences
Classification: Likely pathogenic for SNX14-related condition. Last evaluated: 2025-09-08. Review status: criteria provided, single submitter. Criteria: ACMG Guidelines, 2015. Collection method: clinical testing. Allele origin: germline.
Comment: The SNX14 c.252C>G variant is predicted to result in premature protein termination (p.Tyr84*). To our knowledge, this variant has not been reported in the literature. This variant is reported in 0.00089% of alleles in individuals of European (Non-Finnish) descent in gnomAD. Nonsense variants in SNX14 are expected to be pathogenic. This variant is interpreted as likely pathogenic.

Women's Health and Genetics/Laboratory Corporation of America, LabCorp
Classification: Pathogenic for Autosomal recessive spinocerebellar ataxia 20. Last evaluated: 2024-06-12. Review status: criteria provided, single submitter. Criteria: LabCorp Variant Classification Summary - May 2015. Collection method: clinical testing. Allele origin: germline.
Comment: Variant summary: SNX14 c.252C>G (p.Tyr84X) results in a premature termination codon, predicted to cause a truncation of the encoded protein or absence of the protein due to nonsense mediated decay, which are commonly known mechanisms for disease. The variant allele was found at a frequency of 4.1e-06 in 245384 control chromosomes. To our knowledge, no occurrence of c.252C>G in individuals affected with Autosomal Recessive Spinocerebellar Ataxia 20 and no experimental evidence demonstrating its impact on protein function have been reported. ClinVar contains an entry for this variant (Variation ID: 1325109). Based on the evidence outlined above, the variant was classified as pathogenic.

Revvity Omics, Revvity
Classification: Likely pathogenic for Autosomal recessive spinocerebellar ataxia 20. Last evaluated: 2021-08-18. Review status: criteria provided, single submitter. Criteria: ACMG Guidelines, 2015. Collection method: clinical testing. Allele origin: germline.

Labcorp Genetics (formerly Invitae), Labcorp
Classification: Pathogenic. Last evaluated: 2017-11-18. Review status: criteria provided, single submitter. Criteria: Invitae Variant Classification Sherloc (09022015). Collection method: clinical testing. Allele origin: germline.
Comment: This sequence change creates a premature translational stop signal (p.Tyr84*) in the SNX14 gene. It is expected to result in an absent or disrupted protein product. This variant is not present in population databases (ExAC no frequency). This variant has not been reported in the literature in individuals with SNX14-related disease. Loss-of-function variants in SNX14 are known to be pathogenic (PMID: 25439728, 25848753). For these reasons, this variant has been classified as Pathogenic.

Literature cited by the submitters: PubMed 25439728 (cited by Labcorp Genetics (formerly Invitae), Labcorp); PubMed 25848753 (cited by Labcorp Genetics (formerly Invitae), Labcorp).